The following is an entry in ClinVar:

ClinVar aggregate classification (germline): Uncertain significance. Review status: criteria provided, multiple submitters, no conflicts (2 of 4 stars). 2 submissions from 2 submitters: Uncertain significance (2). Last evaluated 2025-08-17.

Conditions:
Idiopathic generalized epilepsy. Also called: EIG; Generalised epilepsy. Identifiers: MedGen C0270850, MONDO:0005579, OMIM 600669.
Hyperaldosteronism, familial, type IV (HALD4). Also called: FH IV; ALDOSTERONISM, PRIMARY, AND HYPERTENSION. Identifiers: Orphanet 642671, MedGen C4310756, MONDO:0014875, OMIM 617027.
Epilepsy, childhood absence, susceptibility to, 6. Identifiers: Orphanet 64280, MedGen C2749872, MONDO:0012763, OMIM 611942.

gnomAD v4.1: 1 of 1,574,404 alleles (0.000064%); highest among the groups gnomAD compares: Admixed American, 0.0019%; no homozygotes.

Submissions (2):

Labcorp Genetics (formerly Invitae), Labcorp
Classification: Uncertain significance for Idiopathic generalized epilepsy; Hyperaldosteronism, familial, type IV. Last evaluated: 2025-08-17. Review status: criteria provided, single submitter. Criteria: Invitae Variant Classification Sherloc (09022015). Collection method: clinical testing. Allele origin: germline.
Comment: This sequence change replaces valine, which is neutral and non-polar, with leucine, which is neutral and non-polar, at codon 2353 of the CACNA1H protein (p.Val2353Leu). This variant is not present in population databases (gnomAD no frequency). This variant has not been reported in the literature in individuals affected with CACNA1H-related conditions. ClinVar contains an entry for this variant (Variation ID: 1375555). Invitae Evidence Modeling of protein sequence and biophysical properties (such as structural, functional, and spatial information, amino acid conservation, physicochemical variation, residue mobility, and thermodynamic stability) indicates that this missense variant is not expected to disrupt CACNA1H protein function with a negative predictive value of 95%. In summary, the available evidence is currently insufficient to determine the role of this variant in disease. Therefore, it has been classified as a Variant of Uncertain Significance.

Fulgent Genetics
Classification: Uncertain significance for Epilepsy, childhood absence, susceptibility to, 6; Hyperaldosteronism, familial, type IV. Last evaluated: 2021-12-08. Review status: criteria provided, single submitter. Criteria: ACMG Guidelines, 2015. Collection method: clinical testing. Allele origin: unknown.

NM_021098.3(CACNA1H):c.7057G>C (p.Val2353Leu)

Gene: CACNA1H (calcium voltage-gated channel subunit alpha1 H; plus strand). Cytogenetic location: 16p13.3.
Variant type: single nucleotide variant.
Coding change: c.7057G>C on transcript NM_021098.3 (MANE Select); coding-DNA position 7057, G replaced by C.
Protein change: p.Val2353Leu; replaces valine 2353 with leucine.
Molecular consequence: missense variant.
Genome position (GRCh38, 1-based): chr16:1,220,989, G>C. VCF-style: chr16-1220989-G-C. GRCh37 (hg19) VCF-style: chr16-1270989-G-C.
Other names: c.7039G>C, p.Val2347Leu (NM_001005407.2); short protein forms V2353L, V2347L.
Identifiers: ClinVar variation 1375555 (VCV001375555.7), dbSNP rs150601404, ClinGen allele CA394151661.